The following is an entry in ClinVar:

NM_000531.6(OTC):c.889G>A (p.Asp297Asn)

Gene: OTC (ornithine transcarbamylase; plus strand). Cytogenetic location: Xp11.4.
Variant type: single nucleotide variant.
Coding change: c.889G>A on transcript NM_000531.6 (MANE Select); coding-DNA position 889, G replaced by A.
Protein change: p.Asp297Asn; replaces aspartic acid 297 with asparagine.
Molecular consequence: missense variant.
Genome position (GRCh38, 1-based): chrX:38,411,883, G>A. VCF-style: chrX-38411883-G-A. GRCh37 (hg19) VCF-style: chrX-38271136-G-A.
Other names: short protein forms D297N.
Identifiers: ClinVar variation 1349942 (VCV001349942.6), dbSNP rs2068544820, ClinGen allele CA412725676.

ClinVar aggregate classification (germline): Uncertain significance. Review status: criteria provided, multiple submitters, no conflicts (2 of 4 stars). 3 submissions from 3 submitters: Uncertain significance (3). Last evaluated 2025-01-17.

Conditions:
Ornithine carbamoyltransferase deficiency (OTCD). Also called: OTC DEFICIENCY; ORNITHINE TRANSCARBAMYLASE DEFICIENCY; ORNITHINE TRANSCARBAMYLASE DEFICIENCY, HYPERAMMONEMIA DUE TO; Ornithine Carbamoyltransferase Deficiency Disease. Identifiers: Orphanet 664, MedGen C0268542, MONDO:0010703, OMIM 311250.

Allele frequency attached by ClinVar (database versions not stated): gnomAD exomes below 0.00001; TOPMed 0.00001.
gnomAD v4.1: 2 of 1,211,246 alleles (0.00017%); highest among the groups gnomAD compares: Admixed American, 0.0022%; no homozygotes.

Submissions (3):

Labcorp Genetics (formerly Invitae), Labcorp
Classification: Uncertain significance for Ornithine carbamoyltransferase deficiency. Last evaluated: 2025-01-17. Review status: criteria provided, single submitter. Criteria: Invitae Variant Classification Sherloc (09022015). Collection method: clinical testing. Allele origin: germline.
Comment: This sequence change replaces aspartic acid, which is acidic and polar, with asparagine, which is neutral and polar, at codon 297 of the OTC protein (p.Asp297Asn). This variant is not present in population databases (gnomAD no frequency). This variant has not been reported in the literature in individuals affected with OTC-related conditions. ClinVar contains an entry for this variant (Variation ID: 1349942). An algorithm developed to predict the effect of missense changes on protein structure and function outputs the following: PolyPhen-2: "Benign". The asparagine amino acid residue is found in multiple mammalian species, which suggests that this missense change does not adversely affect protein function. Experimental studies have shown that this missense change does not substantially affect OTC function (PMID: 37146589). Algorithms developed to predict the effect of sequence changes on RNA splicing suggest that this variant may disrupt the consensus splice site. In summary, the available evidence is currently insufficient to determine the role of this variant in disease. Therefore, it has been classified as a Variant of Uncertain Significance.

Blueprint Genetics
Classification: Uncertain significance. Last evaluated: 2024-08-19. Review status: criteria provided, single submitter. Criteria: ACMG Guidelines, 2015. Collection method: clinical testing. Allele origin: germline.

All of Us Research Program, National Institutes of Health
Classification: Uncertain significance for Ornithine carbamoyltransferase deficiency. Last evaluated: 2023-03-23. Review status: criteria provided, single submitter. Criteria: ACMG Guidelines, 2015. Collection method: clinical testing. Allele origin: germline. Inheritance: X-linked inheritance. Observed: 1 variant allele, 1 heterozygote.
Comment: This missense variant replaces aspartic acid with asparagine at codon 297 of the OTC protein. Computational prediction suggests that this variant may not impact protein structure and function (internally defined REVEL score threshold <= 0.5, PMID: 27666373). To our knowledge, functional studies have not been reported for this variant. This variant has not been reported in individuals affected with ornithine carbamoyltransferase deficiency in the literature. This variant has not been identified in the general population by the Genome Aggregation Database (gnomAD). The available evidence is insufficient to determine the role of this variant in disease conclusively. Therefore, this variant is classified as a Variant of Uncertain Significance.

This study involves interpretation of variants in research participants for the purpose of population health screening. Participant phenotype was not available at the time of variant classification. Additional details can be found in publication PMID: 35346344, PMCID: PMC8962531

Literature cited by the submitters: PubMed 37146589 (cited by Labcorp Genetics (formerly Invitae), Labcorp).